The following is an entry in ClinVar:

ClinVar aggregate classification (germline): Uncertain significance. Review status: criteria provided, multiple submitters, no conflicts (2 of 4 stars). 4 submissions from 4 submitters: Uncertain significance (4). Last evaluated 2025-09-03.

Conditions:
CNGB3-related disorder. Also called: CNGB3-related condition; CNGB3-related disorders. Identifiers: MedGen CN239340.
Inborn genetic diseases. Identifiers: MedGen C0950123, MeSH D030342.

Allele frequency attached by ClinVar (database versions not stated): ExAC 0.00002; gnomAD exomes 0.00002; TOPMed 0.00003; gnomAD 0.00004.
gnomAD v4.1: 38 of 1,611,406 alleles (0.0024%); highest among the groups gnomAD compares: African/African-American, 0.008%; 1 homozygote.

Submissions (4):

PreventionGenetics, part of Exact Sciences
Classification: Uncertain significance for CNGB3-related condition. Last evaluated: 2025-09-03. Review status: criteria provided, single submitter. Criteria: ACMG Guidelines, 2015. Collection method: clinical testing. Allele origin: germline.
Comment: The CNGB3 c.1763C>T variant is predicted to result in the amino acid substitution p.Ser588Leu. To our knowledge, this variant has not been reported in the literature. This variant is present in 0.012% of alleles in individuals of African descent in gnomAD. At this time, the clinical significance of this variant is uncertain due to the absence of conclusive functional and genetic evidence.

Ambry Genetics
Classification: Uncertain significance for Inborn genetic diseases. Last evaluated: 2025-05-14. Review status: criteria provided, single submitter. Criteria: Ambry Variant Classification Scheme 2023. Collection method: clinical testing. Allele origin: germline.

Blueprint Genetics
Classification: Uncertain significance. Last evaluated: 2024-11-15. Review status: criteria provided, single submitter. Criteria: ACMG Guidelines, 2015. Collection method: clinical testing. Allele origin: germline.

Labcorp Genetics (formerly Invitae), Labcorp
Classification: Uncertain significance. Last evaluated: 2022-07-20. Review status: criteria provided, single submitter. Criteria: Invitae Variant Classification Sherloc (09022015). Collection method: clinical testing. Allele origin: germline.
Comment: This sequence change replaces serine, which is neutral and polar, with leucine, which is neutral and non-polar, at codon 588 of the CNGB3 protein (p.Ser588Leu). This variant is present in population databases (rs748166954, gnomAD 0.01%). This variant has not been reported in the literature in individuals affected with CNGB3-related conditions. Advanced modeling of protein sequence and biophysical properties (such as structural, functional, and spatial information, amino acid conservation, physicochemical variation, residue mobility, and thermodynamic stability) performed at Invitae indicates that this missense variant is expected to disrupt CNGB3 protein function. Algorithms developed to predict the effect of sequence changes on RNA splicing suggest that this variant may disrupt the consensus splice site. In summary, the available evidence is currently insufficient to determine the role of this variant in disease. Therefore, it has been classified as a Variant of Uncertain Significance.

NM_019098.5(CNGB3):c.1763C>T (p.Ser588Leu)

Gene: CNGB3 (cyclic nucleotide gated channel subunit beta 3; minus strand). Cytogenetic location: 8q21.3.
Variant type: single nucleotide variant.
Coding change: c.1763C>T on transcript NM_019098.5 (MANE Select); coding-DNA position 1763, C replaced by T.
Protein change: p.Ser588Leu; replaces serine 588 with leucine.
Molecular consequence: missense variant.
Genome position (GRCh38, 1-based): chr8:86,604,111, G>A on the plus strand (C>T on the coding strand, the complement: CNGB3 is on the minus strand). VCF-style: chr8-86604111-G-A. GRCh37 (hg19) VCF-style: chr8-87616339-G-A.
Other names: c.1763C>T (NM_019098.4); short protein forms S588L.
Identifiers: ClinVar variation 2161887 (VCV002161887.4), dbSNP rs748166954, ClinGen allele CA4799911.